The following is an entry in ClinVar:

ClinVar aggregate classification (germline): Benign/Likely benign. Review status: criteria provided, multiple submitters, no conflicts (2 of 4 stars). 5 submissions from 5 submitters: Benign (4); Likely benign (1). Last evaluated 2026-01-27.

Conditions:
Combined immunodeficiency due to LRBA deficiency. Also called: Common variable immunodeficiency 8, with autoimmunity. Identifiers: Orphanet 445018, MedGen C3553512, MONDO:0013863, OMIM 614700.

Allele frequency attached by ClinVar (database versions not stated): gnomAD exomes 0.00033 and 0.00082; ExAC 0.00099; ESP Exome Variant Server 0.00292; gnomAD 0.00334 and 0.00357; 1000 Genomes Project 0.00359; TOPMed 0.00382; 1000 Genomes Project 30x 0.00390.
gnomAD v4.1: 996 of 1,613,950 alleles (0.062%); highest among the groups gnomAD compares: African/African-American, 1.1%; 6 homozygotes.

Submissions (5):

Labcorp Genetics (formerly Invitae), Labcorp
Classification: Benign for Combined immunodeficiency due to LRBA deficiency. Last evaluated: 2026-01-27. Review status: criteria provided, single submitter. Criteria: Invitae Variant Classification Sherloc (09022015). Collection method: clinical testing. Allele origin: germline.

Mayo Clinic Laboratories, Mayo Clinic
Classification: Benign. Last evaluated: 2024-12-24. Review status: criteria provided, single submitter. Criteria: ACMG Guidelines, 2015. Collection method: clinical testing. Allele origin: germline. Observed: 1 variant allele.
Comment: BS1, BS2, BP4, BP7

Blueprint Genetics
Classification: Likely benign. Last evaluated: 2024-11-26. Review status: criteria provided, single submitter. Criteria: ACMG Guidelines, 2015. Collection method: clinical testing. Allele origin: germline.

CeGaT Center for Human Genetics Tuebingen
Classification: Benign. Last evaluated: 2022-06-01. Review status: criteria provided, single submitter. Criteria: CeGaT Center For Human Genetics Tuebingen Variant Classification Criteria Version 2. Collection method: clinical testing. Allele origin: germline. Affected: yes. Observed: 1 variant allele.
Comment: LRBA: BP4, BP7, BS1, BS2

Breakthrough Genomics
Classification: Benign. Review status: criteria provided, single submitter. Criteria: ACMG Guidelines, 2015. Collection method: not provided. Allele origin: germline. Inheritance: Autosomal recessive inheritance. Affected: yes.

NM_001364905.1(LRBA):c.8328G>A (p.Leu2776=)

Gene: LRBA (LPS responsive beige-like anchor protein; minus strand). Cytogenetic location: 4q31.3.
Variant type: single nucleotide variant.
Coding change: c.8328G>A on transcript NM_001364905.1 (MANE Select); coding-DNA position 8328, G replaced by A.
Protein change: p.Leu2776=; no amino-acid change (leucine 2776 retained).
Molecular consequence: synonymous variant.
Genome position (GRCh38, 1-based): chr4:150,277,993, C>T on the plus strand (G>A on the coding strand, the complement: LRBA is on the minus strand). VCF-style: chr4-150277993-C-T. GRCh37 (hg19) VCF-style: chr4-151199145-C-T.
Other names: p.Leu2787=; c.8325G>A, p.Leu2775= (NM_001199282.3); c.8343G>A, p.Leu2781= (NM_001367550.1); c.8361G>A, p.Leu2787= (NM_006726.5).
Identifiers: ClinVar variation 540415 (VCV000540415.38), dbSNP rs116828023, ClinGen allele CA3101368.
Genomic context (GRCh38, chr4:150,277,993, plus strand): 5'-CTGCCGGACCACGACCACTCCTCTGTCTCCTCCTGTGAGCAGGTACTGCCCATCTCGGCT[C>T]AGCTGGATGGCCTGTGAGACACAGCAACATTCAGTAGAAATGTGGTTCTAGGAAACTTTC-3'
Protein context (NP_001351834.1, residues 2766-2786): ETDDNIRAIQ[Leu2776=]SRDGQYLLTG